The following is an entry in ClinVar:

ClinVar aggregate classification (germline): Uncertain significance (1 of 4 stars; one submission).

Allele frequency attached by ClinVar (database versions not stated): TOPMed below 0.00001; gnomAD exomes 0.00001; gnomAD 0.00002.
gnomAD v4.1: 12 of 1,532,052 alleles (0.00078%); highest among the groups gnomAD compares: Admixed American, 0.0021%; no homozygotes.

Submission:

Labcorp Genetics (formerly Invitae), Labcorp
Classification: Uncertain significance. Last evaluated: 2021-03-25. Review status: criteria provided, single submitter. Criteria: Invitae Variant Classification Sherloc (09022015). Collection method: clinical testing. Allele origin: germline.
Comment: In summary, the available evidence is currently insufficient to determine the role of this variant in disease. Therefore, it has been classified as a Variant of Uncertain Significance. Advanced modeling of protein sequence and biophysical properties (such as structural, functional, and spatial information, amino acid conservation, physicochemical variation, residue mobility, and thermodynamic stability) performed at Invitae indicates that this missense variant is not expected to disrupt CPLANE1 protein function. This variant has not been reported in the literature in individuals with CPLANE1-related conditions. This variant is not present in population databases (ExAC no frequency). This sequence change replaces serine with glycine at codon 1055 of the CPLANE1 protein (p.Ser1055Gly). The serine residue is weakly conserved and there is a small physicochemical difference between serine and glycine.

NM_001384732.1(CPLANE1):c.3163A>G (p.Ser1055Gly)

Gene: CPLANE1 (ciliogenesis and planar polarity effector complex subunit 1; minus strand). Cytogenetic location: 5p13.2.
Variant type: single nucleotide variant.
Coding change: c.3163A>G on transcript NM_001384732.1 (MANE Select); coding-DNA position 3163, A replaced by G.
Protein change: p.Ser1055Gly; replaces serine 1055 with glycine.
Molecular consequence: missense variant.
Genome position (GRCh38, 1-based): chr5:37,205,441, T>C on the plus strand (A>G on the coding strand, the complement: CPLANE1 is on the minus strand). VCF-style: chr5-37205441-T-C. GRCh37 (hg19) VCF-style: chr5-37205543-T-C.
Other names: c.3163A>G, p.Ser1055Gly (NM_023073.4); short protein forms S1055G.
Identifiers: ClinVar variation 1505818 (VCV001505818.8), dbSNP rs1266505643, ClinGen allele CA359515394.